The following is an entry in ClinVar:

NM_053025.4(MYLK):c.530T>A (p.Met177Lys)

Gene: MYLK (myosin light chain kinase; minus strand). Cytogenetic location: 3q21.1.
Variant type: single nucleotide variant.
Coding change: c.530T>A on transcript NM_053025.4 (MANE Select); coding-DNA position 530, T replaced by A.
Protein change: p.Met177Lys; replaces methionine 177 with lysine.
Molecular consequence: missense variant. On other transcripts: initiator codon variant (1).
Genome position (GRCh38, 1-based): chr3:123,738,955, A>T on the plus strand (T>A on the coding strand, the complement: MYLK is on the minus strand). VCF-style: chr3-123738955-A-T. GRCh37 (hg19) VCF-style: chr3-123457802-A-T.
Other names: c.2T>A, p.Met1Lys (NM_001321309.2); c.530T>A, p.Met177Lys (NM_053026.4, NM_053027.4, NM_053028.4); short protein forms M177K, M1K.
Identifiers: ClinVar variation 4707033 (VCV004707033.1).

ClinVar aggregate classification (germline): Uncertain significance (1 of 4 stars; one submission).

Conditions:
Aortic aneurysm, familial thoracic 7 (AAT7). Also called: AORTIC DISSECTION, FAMILIAL, WITH OR WITHOUT AORTIC ANEURYSM. Identifiers: MedGen C3151077, MONDO:0013418, OMIM 613780.

Submission:

Labcorp Genetics (formerly Invitae), Labcorp
Classification: Uncertain significance for Aortic aneurysm, familial thoracic 7. Last evaluated: 2025-06-22. Review status: criteria provided, single submitter. Criteria: Invitae Variant Classification Sherloc (09022015). Collection method: clinical testing. Allele origin: germline.
Comment: This sequence change replaces methionine, which is neutral and non-polar, with lysine, which is basic and polar, at codon 177 of the MYLK protein (p.Met177Lys). This variant is not present in population databases (gnomAD no frequency). This variant has not been reported in the literature in individuals affected with MYLK-related conditions. Invitae Evidence Modeling of protein sequence and biophysical properties (such as structural, functional, and spatial information, amino acid conservation, physicochemical variation, residue mobility, and thermodynamic stability) indicates that this missense variant is not expected to disrupt MYLK protein function with a negative predictive value of 95%. In summary, the available evidence is currently insufficient to determine the role of this variant in disease. Therefore, it has been classified as a Variant of Uncertain Significance.